The following is an entry in ClinVar:

NM_000051.4(ATM):c.492dup (p.Leu165fs)

Gene: ATM (ATM serine/threonine kinase; plus strand). Cytogenetic location: 11q22.3.
Variant type: Duplication.
Coding change: c.492dup on transcript NM_000051.4 (MANE Select); coding-DNA position 492, one base duplicated (G; older notation c.492dupG).
Protein change: p.Leu165fs; shifts the reading frame from leucine 165.
Molecular consequence: frameshift variant.
Genome position (GRCh38, 1-based): chr11:108,235,830, G duplicated; the last of 2 consecutive G bases (chr11:108,235,829-108,235,830); duplicating either gives the same sequence. VCF-style (leftmost placement, unchanged base first): chr11-108235828-T-TG. GRCh37 (hg19) VCF-style: chr11-108106555-T-TG.
Other names: c.492dup, p.Leu165fs (NM_001351834.2); c.492dupG (NM_000051.3); short protein forms L165fs.
Identifiers: ClinVar variation 453547 (VCV000453547.6), dbSNP rs1555059513, ClinGen allele CA658656164.

ClinVar aggregate classification (germline): Pathogenic (1 of 4 stars; one submission).

Conditions:
Ataxia-telangiectasia syndrome (AT). Also called: Cerebello-oculocutaneous telangiectasia; Immunodeficiency with ataxia telangiectasia; Ataxia-telangiectasia, complementation group D; AT, COMPLEMENTATION GROUP C; Ataxia-telangiectasia, complementation group E; LOUIS-BAR SYNDROME. Identifiers: Orphanet 100, MedGen C0004135, MONDO:0008840, OMIM 208900.

Submission:

Labcorp Genetics (formerly Invitae), Labcorp
Classification: Pathogenic for Ataxia-telangiectasia syndrome. Last evaluated: 2023-07-17. Review status: criteria provided, single submitter. Criteria: Invitae Variant Classification Sherloc (09022015). Collection method: clinical testing. Allele origin: germline.
Comment: ClinVar contains an entry for this variant (Variation ID: 453547). This variant has not been reported in the literature in individuals affected with ATM-related conditions. This variant is not present in population databases (gnomAD no frequency). This sequence change creates a premature translational stop signal (p.Leu165Valfs*20) in the ATM gene. It is expected to result in an absent or disrupted protein product. Loss-of-function variants in ATM are known to be pathogenic (PMID: 23807571, 25614872). For these reasons, this variant has been classified as Pathogenic.

Literature cited by the submitters: PubMed 23807571; PubMed 25614872.